The following is an entry in ClinVar:

ClinVar aggregate classification (germline): Uncertain significance (1 of 4 stars; one submission).

Conditions:
PCSK1-related disorder. Also called: PCSK1-related condition.

Allele frequency attached by ClinVar (database versions not stated): gnomAD exomes below 0.00001; TOPMed 0.00002; ESP Exome Variant Server 0.00008; ExAC 0.00002.
gnomAD v4.1: 4 of 1,604,150 alleles (0.00025%); highest among the groups gnomAD compares: African/African-American, 0.0013%; no homozygotes.

Submission:

PreventionGenetics, part of Exact Sciences
Classification: Uncertain significance for PCSK1-related condition. Last evaluated: 2023-02-03. Review status: criteria provided, single submitter. Criteria: ACMG Guidelines, 2015. Collection method: clinical testing. Allele origin: germline.
Comment: The PCSK1 c.226C>T variant is predicted to result in the amino acid substitution p.Pro76Ser. To our knowledge, this variant has not been reported in the literature. This variant is reported in 0.0033% of alleles in individuals of South Asian descent in gnomAD. At this time, the clinical significance of this variant is uncertain due to the absence of conclusive functional and genetic evidence.

NM_000439.5(PCSK1):c.226C>T (p.Pro76Ser)

Genes: CAST (calpastatin; plus strand), PCSK1 (proprotein convertase subtilisin/kexin type 1; minus strand), LOC101929710 (uncharacterized LOC101929710; plus strand). Cytogenetic location: 5q15.
Variant type: single nucleotide variant.
Coding change: c.226C>T on transcript NM_000439.5 (MANE Select); coding-DNA position 226, C replaced by T.
Protein change: p.Pro76Ser; replaces proline 76 with serine.
Molecular consequence: missense variant. On other transcripts: intron variant (11).
Genome position (GRCh38, 1-based): chr5:96,429,272, G>A on the plus strand (C>T on the coding strand, the complement: PCSK1 is on the minus strand). VCF-style: chr5-96429272-G-A. GRCh37 (hg19) VCF-style: chr5-95764976-G-A.
Other names: c.85C>T, p.Pro29Ser (NM_001177875.2); c.-175+49620G>A (NM_001423254.1, NM_001423259.1, NM_001423255.1 and 6 more transcripts); c.-103+49620G>A (NM_001423253.1); c.-40+49620G>A (NM_001423258.1); short protein forms P29S, P76S.
Identifiers: ClinVar variation 2636122 (VCV002636122.1), dbSNP rs371368465, ClinGen allele CA3350555.